The following is an entry in ClinVar:

NM_020964.3(EPG5):c.4664A>T (p.Glu1555Val)

Gene: EPG5 (ectopic P-granules 5 autophagy tethering factor; minus strand). Cytogenetic location: 18q12.3.
Variant type: single nucleotide variant.
Coding change: c.4664A>T on transcript NM_020964.3 (MANE Select); coding-DNA position 4664, A replaced by T.
Protein change: p.Glu1555Val; replaces glutamic acid 1555 with valine.
Molecular consequence: missense variant.
Genome position (GRCh38, 1-based): chr18:45,899,549, T>A on the plus strand (A>T on the coding strand, the complement: EPG5 is on the minus strand). VCF-style: chr18-45899549-T-A. GRCh37 (hg19) VCF-style: chr18-43479514-T-A.
Other names: c.4664A>T, p.Glu1555Val (NM_001410858.1, NM_001410859.1); short protein forms E1555V.
Identifiers: ClinVar variation 2198379 (VCV002198379.1), dbSNP rs1406529418, ClinGen allele CA402337066.

ClinVar aggregate classification (germline): Uncertain significance (1 of 4 stars; one submission).

Conditions:
Vici syndrome (VICIS). Identifiers: Orphanet 1493, MedGen C1855772, MONDO:0009452, OMIM 242840.

Allele frequency attached by ClinVar (database versions not stated): gnomAD exomes below 0.00001.
gnomAD v4.1: 2 of 1,614,102 alleles (0.00012%); highest among the groups gnomAD compares: Admixed American, 0.0033%; no homozygotes.

Submission:

Labcorp Genetics (formerly Invitae), Labcorp
Classification: Uncertain significance for Vici syndrome. Last evaluated: 2022-10-14. Review status: criteria provided, single submitter. Criteria: Invitae Variant Classification Sherloc (09022015). Collection method: clinical testing. Allele origin: germline.
Comment: This sequence change replaces glutamic acid, which is acidic and polar, with valine, which is neutral and non-polar, at codon 1555 of the EPG5 protein (p.Glu1555Val). This variant is present in population databases (no rsID available, gnomAD 0.006%). This variant has not been reported in the literature in individuals affected with EPG5-related conditions. Advanced modeling of protein sequence and biophysical properties (such as structural, functional, and spatial information, amino acid conservation, physicochemical variation, residue mobility, and thermodynamic stability) has been performed at Invitae for this missense variant, however the output from this modeling did not meet the statistical confidence thresholds required to predict the impact of this variant on EPG5 protein function. In summary, the available evidence is currently insufficient to determine the role of this variant in disease. Therefore, it has been classified as a Variant of Uncertain Significance.